The following is an entry in ClinVar:

ClinVar aggregate classification (germline): Uncertain significance (1 of 4 stars; one submission).

Conditions:
Autosomal recessive severe congenital neutropenia due to CSF3R deficiency. Also called: Neutropenia, severe congenital, 7, autosomal recessive. Identifiers: Orphanet 420702, MedGen C4310764, MONDO:0014865, OMIM 617014.

Allele frequency attached by ClinVar (database versions not stated): gnomAD 0.00002; TOPMed 0.00002; gnomAD exomes 0.00003; ExAC 0.00002.

Submission:

Labcorp Genetics (formerly Invitae), Labcorp
Classification: Uncertain significance for Autosomal recessive severe congenital neutropenia due to CSF3R deficiency. Last evaluated: 2025-02-17. Review status: criteria provided, single submitter. Criteria: Invitae Variant Classification Sherloc (09022015). Collection method: clinical testing. Allele origin: germline.
Comment: This sequence change replaces arginine, which is basic and polar, with cysteine, which is neutral and slightly polar, at codon 311 of the CSF3R protein (p.Arg311Cys). This variant is present in population databases (rs201890478, gnomAD 0.006%). This missense change has been observed in individual(s) with autosomal recessive severe congenital neutropenia (PMID: 30891028). ClinVar contains an entry for this variant (Variation ID: 2903607). Invitae Evidence Modeling of protein sequence and biophysical properties (such as structural, functional, and spatial information, amino acid conservation, physicochemical variation, residue mobility, and thermodynamic stability) has been performed for this missense variant. However, the output from this modeling did not meet the statistical confidence thresholds required to predict the impact of this variant on CSF3R protein function. In summary, the available evidence is currently insufficient to determine the role of this variant in disease. Therefore, it has been classified as a Variant of Uncertain Significance.

Literature cited by the submitters: PubMed 30891028.

NM_000760.4(CSF3R):c.931C>T (p.Arg311Cys)

Gene: CSF3R (colony stimulating factor 3 receptor; minus strand). Cytogenetic location: 1p34.3.
Variant type: single nucleotide variant.
Coding change: c.931C>T on transcript NM_000760.4 (MANE Select); coding-DNA position 931, C replaced by T.
Protein change: p.Arg311Cys; replaces arginine 311 with cysteine.
Molecular consequence: missense variant.
Genome position (GRCh38, 1-based): chr1:36,472,304, G>A on the plus strand (C>T on the coding strand, the complement: CSF3R is on the minus strand). VCF-style: chr1-36472304-G-A. GRCh37 (hg19) VCF-style: chr1-36937905-G-A.
Other names: c.931C>T, p.Arg311Cys (NM_156039.3, NM_172313.3); short protein forms R311C.
Identifiers: ClinVar variation 2903607 (VCV002903607.3), dbSNP rs201890478, ClinGen allele CA769342.